The following is an entry in ClinVar:

NM_020312.4(COQ9):c.25G>C (p.Ala9Pro)

Genes: COQ9 (coenzyme Q9; plus strand), LOC112469007 (Sharpr-MPRA regulatory region 5957; plus strand). Cytogenetic location: 16q21.
Variant type: single nucleotide variant.
Coding change: c.25G>C on transcript NM_020312.4 (MANE Select); coding-DNA position 25, G replaced by C.
Protein change: p.Ala9Pro; replaces alanine 9 with proline.
Molecular consequence: missense variant.
Genome position (GRCh38, 1-based): chr16:57,447,530, G>C. VCF-style: chr16-57447530-G-C. GRCh37 (hg19) VCF-style: chr16-57481442-G-C.
Other names: c.25G>C (NM_020312.3); short protein forms A9P.
Identifiers: ClinVar variation 1311636 (VCV001311636.3), dbSNP rs2030150275, ClinGen allele CA396026388.

ClinVar aggregate classification (germline): Uncertain significance. Review status: criteria provided, multiple submitters, no conflicts (2 of 4 stars). 2 submissions from 2 submitters: Uncertain significance (2). Last evaluated 2025-09-24.

Conditions:
Inborn genetic diseases. Identifiers: MedGen C0950123, MeSH D030342.

gnomAD v4.1: 10 of 1,311,610 alleles (0.00076%); highest among the groups gnomAD compares: Middle Eastern, 0.023%; no homozygotes.

Submissions (2):

Ambry Genetics
Classification: Uncertain significance for Inborn genetic diseases. Last evaluated: 2025-09-24. Review status: criteria provided, single submitter. Criteria: Ambry Variant Classification Scheme 2023. Collection method: clinical testing. Allele origin: germline.

GeneDx
Classification: Uncertain significance. Last evaluated: 2020-01-17. Review status: criteria provided, single submitter. Criteria: GeneDx Variant Classification Process June 2021. Collection method: clinical testing. Allele origin: germline. Affected: yes.
Comment: Has not been previously published as pathogenic or benign to our knowledge; Not observed in large population cohorts (Lek et al., 2016); In silico analysis, which includes protein predictors and evolutionary conservation, supports that this variant does not alter protein structure/function